The following is an entry in ClinVar:

ClinVar aggregate classification (germline): Uncertain significance. Review status: criteria provided, multiple submitters, no conflicts (2 of 4 stars). 2 submissions from 2 submitters: Uncertain significance (2). Last evaluated 2025-09-16.

Conditions:
Colorectal cancer, hereditary nonpolyposis, type 7. Identifiers: Orphanet 144, MedGen C1858380, MONDO:0013725, OMIM 614385.

Allele frequency attached by ClinVar (database versions not stated): gnomAD 0.00001; gnomAD exomes 0.00001.
gnomAD v4.1: 10 of 1,614,102 alleles (0.00062%); highest among the groups gnomAD compares: East Asian, 0.0022%; no homozygotes.

Submissions (2):

Labcorp Genetics (formerly Invitae), Labcorp
Classification: Uncertain significance for Colorectal cancer, hereditary nonpolyposis, type 7. Last evaluated: 2025-09-16. Review status: criteria provided, single submitter. Criteria: Invitae Variant Classification Sherloc (09022015). Collection method: clinical testing. Allele origin: germline.
Comment: This sequence change replaces arginine, which is basic and polar, with glutamine, which is neutral and polar, at codon 1333 of the MLH3 protein (p.Arg1333Gln). The frequency data for this variant in the population databases is considered unreliable, as metrics indicate poor data quality at this position in the gnomAD database. This variant has not been reported in the literature in individuals affected with MLH3-related conditions. ClinVar contains an entry for this variant (Variation ID: 1736809). An algorithm developed to predict the effect of missense changes on protein structure and function outputs the following: PolyPhen-2: "Benign". The glutamine amino acid residue is found in multiple mammalian species, which suggests that this missense change does not adversely affect protein function. In summary, the available evidence is currently insufficient to determine the role of this variant in disease. Therefore, it has been classified as a Variant of Uncertain Significance.

Ambry Genetics
Classification: Uncertain significance. Last evaluated: 2024-01-20. Review status: criteria provided, single submitter. Criteria: Ambry Variant Classification Scheme 2023. Collection method: clinical testing. Allele origin: germline.
Comment: The p.R1333Q variant (also known as c.3998G>A), located in coding exon 9 of the MLH3 gene, results from a G to A substitution at nucleotide position 3998. The arginine at codon 1333 is replaced by glutamine, an amino acid with highly similar properties. This amino acid position is conserved. In addition, this alteration is predicted to be tolerated by in silico analysis. Since supporting evidence is limited at this time, the clinical significance of this alteration remains unclear.

NM_001040108.2(MLH3):c.3998G>A (p.Arg1333Gln)

Gene: MLH3 (mutL homolog 3; minus strand). Cytogenetic location: 14q24.3.
Variant type: single nucleotide variant.
Coding change: c.3998G>A on transcript NM_001040108.2 (MANE Select); coding-DNA position 3998, G replaced by A.
Protein change: p.Arg1333Gln; replaces arginine 1333 with glutamine.
Molecular consequence: missense variant.
Genome position (GRCh38, 1-based): chr14:75,023,008, C>T on the plus strand (G>A on the coding strand, the complement: MLH3 is on the minus strand). VCF-style: chr14-75023008-C-T. GRCh37 (hg19) VCF-style: chr14-75489711-C-T.
Other names: c.3926G>A, p.Arg1309Gln (NM_014381.3); short protein forms R1309Q, R1333Q.
Identifiers: ClinVar variation 1736809 (VCV001736809.8), dbSNP rs866355517, ClinGen allele CA263633922.
Genomic context (GRCh38, chr14:75,023,008, plus strand): 5'-ATGTGTGGTGCTTCTGTGTGAAACCCCAAAATAAAGGAAAAGCTTACCTCCAGTTGTTCT[C>T]GGATAAATTCCTGCAAAGCAAAAGGAAAATCGGCTTTAATCTACGGTTATGTTTTACTTG-3'
Protein context (NP_001035197.1, residues 1323-1343): VTKSIVEEFI[Arg1333Gln]EQLELLQTTG